The following is an entry in ClinVar:

ClinVar aggregate classification (germline): Uncertain significance. Review status: criteria provided, multiple submitters, no conflicts (2 of 4 stars). 2 submissions from 2 submitters: Uncertain significance (2). Last evaluated 2025-12-24.

Conditions:
Inborn genetic diseases. Identifiers: MedGen C0950123, MeSH D030342.
Myofibrillar myopathy 3 (MFM3). Also called: Muscular dystrophy, proximal, type 1A; Autosomal dominant spheroid body myopathy. Identifiers: Orphanet 266, Orphanet 268129, MedGen C3714934, MONDO:0012215, OMIM 609200.

Allele frequency attached by ClinVar (database versions not stated): gnomAD exomes 0.00001.

Submissions (2):

Labcorp Genetics (formerly Invitae), Labcorp
Classification: Uncertain significance for Myofibrillar myopathy 3. Last evaluated: 2025-12-24. Review status: criteria provided, single submitter. Criteria: Invitae Variant Classification Sherloc (09022015). Collection method: clinical testing. Allele origin: germline.
Comment: This sequence change replaces glycine, which is neutral and non-polar, with glutamic acid, which is acidic and polar, at codon 175 of the MYOT protein (p.Gly175Glu). This variant is present in population databases (no rsID available, gnomAD 0.009%). This variant has not been reported in the literature in individuals affected with MYOT-related conditions. ClinVar contains an entry for this variant (Variation ID: 960021). An algorithm developed to predict the effect of missense changes on protein structure and function (PolyPhen-2) suggests that this variant is likely to be disruptive. In summary, the available evidence is currently insufficient to determine the role of this variant in disease. Therefore, it has been classified as a Variant of Uncertain Significance.

Ambry Genetics
Classification: Uncertain significance for Inborn genetic diseases. Last evaluated: 2024-06-02. Review status: criteria provided, single submitter. Criteria: Ambry Variant Classification Scheme 2023. Collection method: clinical testing. Allele origin: germline.

NM_006790.3(MYOT):c.524G>A (p.Gly175Glu)

Genes: MYOT (myotilin; plus strand), PKD2L2-DT (PKD2L2 divergent transcript; minus strand). Cytogenetic location: 5q31.2.
Variant type: single nucleotide variant.
Coding change: c.524G>A on transcript NM_006790.3 (MANE Select); coding-DNA position 524, G replaced by A.
Protein change: p.Gly175Glu; replaces glycine 175 with glutamic acid.
Molecular consequence: missense variant. On other transcripts: 5 prime UTR variant (1).
Genome position (GRCh38, 1-based): chr5:137,875,996, G>A. VCF-style: chr5-137875996-G-A. GRCh37 (hg19) VCF-style: chr5-137211685-G-A.
Other names: c.-29G>A (NM_001135940.2); c.179G>A, p.Gly60Glu (NM_001300911.2); short protein forms G175E, G60E.
Identifiers: ClinVar variation 960021 (VCV000960021.11), dbSNP rs1304612966, ClinGen allele CA361054532.